The following is an entry in ClinVar:

ClinVar aggregate classification (germline): Uncertain significance. Review status: criteria provided, multiple submitters, no conflicts (2 of 4 stars). 4 submissions from 4 submitters: Uncertain significance (4). Last evaluated 2025-10-06.

Conditions:
Cenani-Lenz syndactyly syndrome. Also called: CENANI SYNDACTYLISM; SYNDACTYLY, TYPE VII. Identifiers: Orphanet 3258, MedGen C1859309, MONDO:0008931, OMIM 212780.
Sclerosteosis 2 (SOST2). Identifiers: Orphanet 3152, MedGen C3280402, MONDO:0013679, OMIM 614305.
Congenital myasthenic syndrome 17. Identifiers: Orphanet 590, MedGen C4225377, MONDO:0014578, OMIM 616304.
Inborn genetic diseases. Identifiers: MedGen C0950123, MeSH D030342.

Allele frequency attached by ClinVar (database versions not stated): gnomAD exomes 0.00002 and 0.00004; ExAC 0.00001; gnomAD 0.00002 and 0.00001; TOPMed 0.00002.
gnomAD v4.1: 60 of 1,613,634 alleles (0.0037%); highest among the groups gnomAD compares: Non-Finnish European, 0.0048%; no homozygotes.

Submissions (4):

Ambry Genetics
Classification: Uncertain significance for Inborn genetic diseases. Last evaluated: 2025-10-06. Review status: criteria provided, single submitter. Criteria: Ambry Variant Classification Scheme 2023. Collection method: clinical testing. Allele origin: germline.

GeneDx
Classification: Uncertain significance. Last evaluated: 2025-07-23. Review status: criteria provided, single submitter. Criteria: GeneDx Variant Classification Process June 2021. Collection method: clinical testing. Allele origin: germline. Affected: yes.
Comment: In silico analysis supports that this missense variant has a deleterious effect on protein structure/function; Has not been previously published as pathogenic or benign to our knowledge

Labcorp Genetics (formerly Invitae), Labcorp
Classification: Uncertain significance for Cenani-Lenz syndactyly syndrome; Sclerosteosis 2; Congenital myasthenic syndrome 17. Last evaluated: 2024-11-11. Review status: criteria provided, single submitter. Criteria: Invitae Variant Classification Sherloc (09022015). Collection method: clinical testing. Allele origin: germline.
Comment: This sequence change replaces glycine, which is neutral and non-polar, with serine, which is neutral and polar, at codon 923 of the LRP4 protein (p.Gly923Ser). This variant is present in population databases (rs765716290, gnomAD 0.007%). This variant has not been reported in the literature in individuals affected with LRP4-related conditions. ClinVar contains an entry for this variant (Variation ID: 1522315). Invitae Evidence Modeling of protein sequence and biophysical properties (such as structural, functional, and spatial information, amino acid conservation, physicochemical variation, residue mobility, and thermodynamic stability) indicates that this missense variant is not expected to disrupt LRP4 protein function with a negative predictive value of 80%. In summary, the available evidence is currently insufficient to determine the role of this variant in disease. Therefore, it has been classified as a Variant of Uncertain Significance.

Fulgent Genetics
Classification: Uncertain significance for Cenani-Lenz syndactyly syndrome; Sclerosteosis 2; Congenital myasthenic syndrome 17. Last evaluated: 2022-03-29. Review status: criteria provided, single submitter. Criteria: ACMG Guidelines, 2015. Collection method: clinical testing. Allele origin: unknown.

NM_002334.4(LRP4):c.2767G>A (p.Gly923Ser)

Gene: LRP4 (LDL receptor related protein 4; minus strand). Cytogenetic location: 11p11.2.
Variant type: single nucleotide variant.
Coding change: c.2767G>A on transcript NM_002334.4 (MANE Select); coding-DNA position 2767, G replaced by A.
Protein change: p.Gly923Ser; replaces glycine 923 with serine.
Molecular consequence: missense variant.
Genome position (GRCh38, 1-based): chr11:46,881,749, C>T on the plus strand (G>A on the coding strand, the complement: LRP4 is on the minus strand). VCF-style: chr11-46881749-C-T. GRCh37 (hg19) VCF-style: chr11-46903300-C-T.
Other names: short protein forms G923S.
Identifiers: ClinVar variation 1522315 (VCV001522315.8), dbSNP rs765716290, ClinGen allele CA5969804.
Genomic context (GRCh38, chr11:46,881,749, plus strand): 5'-CTGCCACCCTTACCTTCCTCTTACTGCCATCCAGTCCAGCAAATTCAATTGTCTTCATGC[C>T]GGCGTCAGCCCAGTATAGACGCTGGGACCCATAATCAATAGCTAACCCATTAGGCCAGGT-3'
Protein context (NP_002325.2, residues 913-933): GSQRLYWADA[Gly923Ser]MKTIEFAGLD